The following is an entry in ClinVar:

ClinVar aggregate classification (germline): Likely pathogenic (1 of 4 stars; one submission).

Conditions:
Renal coloboma syndrome (PAPRS). Also called: PAPILLORENAL SYNDROME WITH MILD OCULAR ABNORMALITIES; OPTIC COLOBOMA, VESICOURETERAL REFLUX, AND RENAL ANOMALIES; OPTIC NERVE COLOBOMA WITH RENAL DISEASE; RENAL-COLOBOMA SYNDROME WITH MACULAR ABNORMALITIES; CAKUT WITH OR WITHOUT OCULAR ABNORMALITIES; PAPILLORENAL SYNDROME. Identifiers: Orphanet 1475, MedGen C1852759, MONDO:0007352, OMIM 120330.

gnomAD v4.1: 1 of 1,614,032 alleles (0.000062%); highest among the groups gnomAD compares: Non-Finnish European, 0.000085%; no homozygotes.

Submission:

MVZ Medizinische Genetik Mainz
Classification: Likely pathogenic for Renal coloboma syndrome. Last evaluated: 2025-04-01. Review status: criteria provided, single submitter. Criteria: UK Practice Guidelines For Variant Classification V4 01 2020. Collection method: clinical testing. Allele origin: germline. Inheritance: Autosomal dominant inheritance. Affected: yes. Observed: 1 variant allele.
Comment: ACMG Criteria: PM1,PP3_MOD,PM2_SUP,PP2

NM_000278.5(PAX2):c.217T>C (p.Tyr73His)

Gene: PAX2 (paired box 2; plus strand). Cytogenetic location: 10q24.31.
Variant type: single nucleotide variant.
Coding change: c.217T>C on transcript NM_000278.5 (MANE Select); coding-DNA position 217, T replaced by C.
Protein change: p.Tyr73His; replaces tyrosine 73 with histidine.
Molecular consequence: missense variant.
Genome position (GRCh38, 1-based): chr10:100,750,698, T>C. VCF-style: chr10-100750698-T-C. GRCh37 (hg19) VCF-style: chr10-102510455-T-C.
Other names: c.310T>C, p.Tyr104His (NM_001304569.2); c.217T>C, p.Tyr73His (NM_003987.5, NM_003988.5, NM_003989.5 and 1 more transcripts); short protein forms Y104H, Y73H.
Identifiers: ClinVar variation 3894580 (VCV003894580.1).
Genomic context (GRCh38, chr10:100,750,698, plus strand): 5'-CCCCCTGCCCCGCCACAGTCCGCTTCTGGCTGACCCCGCCGGCTTTCCCGGCGCAGGTAC[T>C]ACGAGACCGGCAGCATCAAGCCGGGTGTGATCGGTGGCTCCAAGCCCAAAGTGGCGACGC-3'
Protein context (NP_000269.3, residues 63-83): GCVSKILGRY[Tyr73His]ETGSIKPGVI